The following is an entry in ClinVar:

NM_022436.3(ABCG5):c.406G>T (p.Asp136Tyr)

Gene: ABCG5 (ATP binding cassette subfamily G member 5; minus strand). Cytogenetic location: 2p21.
Variant type: single nucleotide variant.
Coding change: c.406G>T on transcript NM_022436.3 (MANE Select); coding-DNA position 406, G replaced by T.
Protein change: p.Asp136Tyr; replaces aspartic acid 136 with tyrosine.
Molecular consequence: missense variant.
Genome position (GRCh38, 1-based): chr2:43,831,864, C>A on the plus strand (G>T on the coding strand, the complement: ABCG5 is on the minus strand). VCF-style: chr2-43831864-C-A. GRCh37 (hg19) VCF-style: chr2-44059003-C-A.
Other names: short protein forms D136Y.
Identifiers: ClinVar variation 5026780 (VCV005026780.1).

ClinVar aggregate classification (germline): Uncertain significance (1 of 4 stars; one submission).

Conditions:
Cardiovascular phenotype. Identifiers: MedGen CN230736.

gnomAD v4.1: 6 of 1,570,146 alleles (0.00038%); highest among the groups gnomAD compares: Non-Finnish European, 0.00052%; no homozygotes.

Submission:

Ambry Genetics
Classification: Uncertain significance for Cardiovascular phenotype. Last evaluated: 2026-08-10. Review status: criteria provided, single submitter. Criteria: Ambry Variant Classification Scheme 2023. Collection method: clinical testing. Allele origin: germline.
Comment: The p.D136Y variant (also known as c.406G>T), located in coding exon 4 of the ABCG5 gene, results from a G to T substitution at nucleotide position 406. The aspartic acid at codon 136 is replaced by tyrosine, an amino acid with highly dissimilar properties. This amino acid position is conserved. In addition, the in silico prediction for this alteration is inconclusive. Based on the available evidence, the clinical significance of this variant remains unclear.